The following is an entry in ClinVar:

NM_001127178.3(PIGG):c.2571+4G>C

Gene: PIGG (phosphatidylinositol glycan anchor biosynthesis class G (EMM blood group); plus strand). Cytogenetic location: 4p16.3.
Variant type: single nucleotide variant.
Coding change: c.2571+4G>C on transcript NM_001127178.3 (MANE Select); 4 bases into the intron after coding-DNA position 2571, G replaced by C.
Molecular consequence: intron variant.
Genome position (GRCh38, 1-based): chr4:530,749, G>C. VCF-style: chr4-530749-G-C. GRCh37 (hg19) VCF-style: chr4-524538-G-C.
Other names: c.1473+4G>C (NM_001345994.2); c.2304+4G>C (NM_001345986.2, NM_001289051.2); c.2280+4G>C (NM_001345987.2); c.1038+4G>C (NM_001345991.2, NM_001345990.2); c.1542+4G>C (NM_001345988.2); c.2547+4G>C (NM_017733.5); c.2172+4G>C (NM_001289052.2).
Identifiers: ClinVar variation 1395565 (VCV001395565.6), dbSNP rs2109015694, ClinGen allele CA2573137452.
Genomic context (GRCh38, chr4:530,749, plus strand): 5'-GCAGCTGAGATTACTGTGATGCATTATTGGTTTGGTCAAGCATTCTTCTATTTTCAGGTA[G>C]GTTTTCATTATTATCATGGGTAGTAGACTTCATGTTTTACATATTTATTTTAAATTTTTC-3'

ClinVar aggregate classification (germline): Uncertain significance (1 of 4 stars; one submission).

Conditions:
Intellectual disability, autosomal recessive 53 (NEDHSCA). Also called: GLYCOSYLPHOSPHATIDYLINOSITOL BIOSYNTHESIS DEFECT 13; Mental retardation, autosomal recessive 53; NEURODEVELOPMENTAL DISORDER WITH OR WITHOUT HYPOTONIA, SEIZURES, AND CEREBELLAR ATROPHY. Identifiers: Orphanet 488635, MedGen C4310794, MONDO:0014832, OMIM 616917.

Submission:

Labcorp Genetics (formerly Invitae), Labcorp
Classification: Uncertain significance for Intellectual disability, autosomal recessive 53. Last evaluated: 2021-11-28. Review status: criteria provided, single submitter. Criteria: Invitae Variant Classification Sherloc (09022015). Collection method: clinical testing. Allele origin: germline.
Comment: Variants that disrupt the consensus splice site are a relatively common cause of aberrant splicing (PMID: 17576681, 9536098). Algorithms developed to predict the effect of sequence changes on RNA splicing suggest that this variant is not likely to affect RNA splicing. In summary, the available evidence is currently insufficient to determine the role of this variant in disease. Therefore, it has been classified as a Variant of Uncertain Significance. This sequence change falls in intron 11 of the PIGG gene. It does not directly change the encoded amino acid sequence of the PIGG protein. It affects a nucleotide within the consensus splice site. This variant is not present in population databases (gnomAD no frequency). This variant has not been reported in the literature in individuals affected with PIGG-related conditions.

Literature cited by the submitters: PubMed 17576681; PubMed 9536098.